The following is an entry in ClinVar:

ClinVar aggregate classification (germline): Uncertain significance (1 of 4 stars; one submission).

gnomAD v4.1: 3 of 1,602,020 alleles (0.00019%); highest among the groups gnomAD compares: South Asian, 0.0011%; no homozygotes.

Submission:

Ambry Genetics
Classification: Uncertain significance. Last evaluated: 2025-05-17. Review status: criteria provided, single submitter. Criteria: Ambry Variant Classification Scheme 2023. Collection method: clinical testing. Allele origin: germline.
Comment: The p.P1478S variant (also known as c.4432C>T), located in coding exon 19 of the WNK2 gene, results from a C to T substitution at nucleotide position 4432. The proline at codon 1478 is replaced by serine, an amino acid with similar properties. This amino acid position is conserved. In addition, this alteration is predicted to be tolerated by in silico analysis. Based on the available evidence, the clinical significance of this variant remains unclear.

NM_006648.4(WNK2):c.4432C>T (p.Pro1478Ser)

Gene: WNK2 (WNK lysine deficient protein kinase 2; plus strand). Cytogenetic location: 9q22.31.
Variant type: single nucleotide variant.
Coding change: c.4432C>T on transcript NM_006648.4 (MANE Select); coding-DNA position 4432, C replaced by T.
Protein change: p.Pro1478Ser; replaces proline 1478 with serine.
Molecular consequence: missense variant.
Genome position (GRCh38, 1-based): chr9:93,289,186, C>T. VCF-style: chr9-93289186-C-T. GRCh37 (hg19) VCF-style: chr9-96051468-C-T.
Other names: c.4543C>T, p.Pro1515Ser (NM_001282394.3); short protein forms P1478S, P1515S.
Identifiers: ClinVar variation 3982060 (VCV003982060.1).